The following is an entry in ClinVar:

NM_001048174.2(MUTYH):c.1154A>C (p.Glu385Ala)

Gene: MUTYH (mutY DNA glycosylase; minus strand). Cytogenetic location: 1p34.1.
Variant type: single nucleotide variant.
Coding change: c.1154A>C on transcript NM_001048174.2 (MANE Select); coding-DNA position 1154, A replaced by C.
Protein change: p.Glu385Ala; replaces glutamic acid 385 with alanine.
Molecular consequence: missense variant. On other transcripts: non-coding transcript variant (7).
Genome position (GRCh38, 1-based): chr1:45,331,505, T>G on the plus strand (A>C on the coding strand, the complement: MUTYH is on the minus strand). VCF-style: chr1-45331505-T-G. GRCh37 (hg19) VCF-style: chr1-45797177-T-G.
Other names: c.1154A>C, p.Glu385Ala (NM_001048171.2, NM_001048173.2, NM_001293195.2 and 6 more transcripts); c.1157A>C, p.Glu386Ala (NM_001048172.2, NM_001407086.1, NM_001407071.1 and 1 more transcripts); c.1238A>C, p.Glu413Ala (NM_001128425.2); c.1199A>C, p.Glu400Ala (NM_001293190.2); c.1187A>C, p.Glu396Ala (NM_001293191.2, NM_001407069.1, NM_001407077.1); c.878A>C, p.Glu293Ala (NM_001293192.2, NM_001293196.2, NM_001407091.1); c.1115A>C, p.Glu372Ala (NM_001407079.1); c.1112A>C, p.Glu371Ala (NM_001407080.1); and 5 more; short protein forms E293A, E392A, E399A, E413A, E270A, E372A, E396A, E400A.
Identifiers: ClinVar variation 4113114 (VCV004113114.1).

ClinVar aggregate classification (germline): Uncertain significance (1 of 4 stars; one submission).

Conditions:
Hereditary cancer-predisposing syndrome. Also called: Tumor predisposition; Neoplastic Syndromes, Hereditary; Hereditary neoplastic syndrome; Hereditary Cancer Syndrome. Identifiers: Orphanet 140162, MedGen C0027672, MeSH D009386, MONDO:0015356.

Submission:

Ambry Genetics
Classification: Uncertain significance for Hereditary cancer-predisposing syndrome. Last evaluated: 2025-08-27. Review status: criteria provided, single submitter. Criteria: Ambry Variant Classification Scheme 2023. Collection method: clinical testing. Allele origin: germline.
Comment: The p.E413A variant (also known as c.1238A>C), located in coding exon 13 of the MUTYH gene, results from an A to C substitution at nucleotide position 1238. The glutamic acid at codon 413 is replaced by alanine, an amino acid with dissimilar properties. This amino acid position is conserved. In addition, this alteration is predicted to be tolerated by in silico analysis. Based on the available evidence, the clinical significance of this variant remains unclear.